The following is an entry in ClinVar:

NM_005045.4(RELN):c.832T>C (p.Ser278Pro)

Gene: RELN (reelin; minus strand). Cytogenetic location: 7q22.1.
Variant type: single nucleotide variant.
Coding change: c.832T>C on transcript NM_005045.4 (MANE Select); coding-DNA position 832, T replaced by C.
Protein change: p.Ser278Pro; replaces serine 278 with proline.
Molecular consequence: missense variant.
Genome position (GRCh38, 1-based): chr7:103,700,980, A>G on the plus strand (T>C on the coding strand, the complement: RELN is on the minus strand). VCF-style: chr7-103700980-A-G. GRCh37 (hg19) VCF-style: chr7-103341427-A-G.
Other names: c.832T>C, p.Ser278Pro (NM_173054.3); short protein forms S278P.
Identifiers: ClinVar variation 1054506 (VCV001054506.9), dbSNP rs2115796319, ClinGen allele CA368928131.
Genomic context (GRCh38, chr7:103,700,980, plus strand): 5'-CTAGCTGAATCCAGTCCGCAGAGTTATTCTTGGCATATAACACGATGATGCTGGGGTCTG[A>G]ATAACTAAAGCGACATGAACCTGACCCTGTAAATAGCAATAACAATAAATTTCAAGGTTA-3'
Protein context (NP_005036.2, residues 268-288): IGSGSCRFSY[Ser278Pro]DPSIIVLYAK

ClinVar aggregate classification (germline): Uncertain significance (1 of 4 stars; one submission).

Conditions:
Norman-Roberts syndrome (LIS2). Also called: Lissencephaly 2 (Norman-Roberts type). Identifiers: Orphanet 89844, MedGen C0796089, MONDO:0009760, OMIM 257320.
Familial temporal lobe epilepsy 7. Identifiers: Orphanet 101046, MedGen C4225327, MONDO:0014639, OMIM 616436.

Submission:

Labcorp Genetics (formerly Invitae), Labcorp
Classification: Uncertain significance for Familial temporal lobe epilepsy 7; Norman-Roberts syndrome. Last evaluated: 2022-09-29. Review status: criteria provided, single submitter. Criteria: Invitae Variant Classification Sherloc (09022015). Collection method: clinical testing. Allele origin: germline.
Comment: Advanced modeling of protein sequence and biophysical properties (such as structural, functional, and spatial information, amino acid conservation, physicochemical variation, residue mobility, and thermodynamic stability) performed at Invitae indicates that this missense variant is not expected to disrupt RELN protein function. ClinVar contains an entry for this variant (Variation ID: 1054506). This variant has not been reported in the literature in individuals affected with RELN-related conditions. This variant is not present in population databases (gnomAD no frequency). This sequence change replaces serine, which is neutral and polar, with proline, which is neutral and non-polar, at codon 278 of the RELN protein (p.Ser278Pro). In summary, the available evidence is currently insufficient to determine the role of this variant in disease. Therefore, it has been classified as a Variant of Uncertain Significance.